The following is an entry in ClinVar:

NM_005334.3(HCFC1):c.3019G>A (p.Gly1007Ser)

Gene: HCFC1 (host cell factor C1; minus strand). Cytogenetic location: Xq28.
Variant type: single nucleotide variant.
Coding change: c.3019G>A on transcript NM_005334.3 (MANE Select); coding-DNA position 3019, G replaced by A.
Protein change: p.Gly1007Ser; replaces glycine 1007 with serine.
Molecular consequence: missense variant.
Genome position (GRCh38, 1-based): chrX:153,955,380, C>T on the plus strand (G>A on the coding strand, the complement: HCFC1 is on the minus strand). VCF-style: chrX-153955380-C-T. GRCh37 (hg19) VCF-style: chrX-153220831-C-T.
Other names: c.3019G>A, p.Gly1007Ser (NM_001410705.1); short protein forms G1007S.
Identifiers: ClinVar variation 3349747 (VCV003349747.1).

ClinVar aggregate classification (germline): Uncertain significance (0 of 4 stars; one submission).

Conditions:
HCFC1-related disorder. Also called: HCFC1-related condition.

Submission:

PreventionGenetics, part of Exact Sciences
Classification: Uncertain significance for HCFC1-related condition. Last evaluated: 2024-03-27. Review status: no assertion criteria provided. Collection method: clinical testing. Allele origin: germline.
Comment: The HCFC1 c.3019G>A variant is predicted to result in the amino acid substitution p.Gly1007Ser. To our knowledge, this variant has not been reported in the literature or in a large population database, indicating this variant is rare. At this time, the clinical significance of this variant is uncertain due to the absence of conclusive functional and genetic evidence.